The following is an entry in ClinVar:

NM_000540.3(RYR1):c.2659G>A (p.Glu887Lys)

Gene: RYR1 (ryanodine receptor 1; plus strand). Cytogenetic location: 19q13.2.
Variant type: single nucleotide variant.
Coding change: c.2659G>A on transcript NM_000540.3 (MANE Select); coding-DNA position 2659, G replaced by A.
Protein change: p.Glu887Lys; replaces glutamic acid 887 with lysine.
Molecular consequence: missense variant.
Genome position (GRCh38, 1-based): chr19:38,463,504, G>A. VCF-style: chr19-38463504-G-A. GRCh37 (hg19) VCF-style: chr19-38954144-G-A.
Other names: c.2659G>A, p.Glu887Lys (NM_001042723.2); short protein forms E887K.
Identifiers: ClinVar variation 569224 (VCV000569224.18), dbSNP rs766827383, ClinGen allele CA063682.

ClinVar aggregate classification (germline): Uncertain significance. Review status: criteria provided, multiple submitters, no conflicts (2 of 4 stars). 9 submissions from 7 submitters: Uncertain significance (9). Last evaluated 2026-01-11.

Conditions:
Central core myopathy (CMYO1A). Also called: CONGENITAL MYOPATHY 1A, AUTOSOMAL DOMINANT, WITH SUSCEPTIBILITY TO MALIGNANT HYPERTHERMIA; Central core disease; Myopathy, central fibrillar. Identifiers: Orphanet 597, MedGen C5830701, MONDO:0007294, OMIM 117000.
Congenital multicore myopathy with external ophthalmoplegia (CMYO1B). Also called: MULTIMINICORE DISEASE WITH EXTERNAL OPHTHALMOPLEGIA; Congenital myopathy 1B, autosomal recessive; Minicore myopathy; Minicore myopathy with external ophthalmoplegia; MULTICORE MYOPATHY. Identifiers: Orphanet 598, Orphanet 98905, MedGen C1850674, MONDO:0009712, OMIM 255320, HP:0003789.
Congenital myopathy with fiber type disproportion. Also called: Congenital fiber-type disproportion myopathy; Congenital fiber-type disproportion. Identifiers: Orphanet 2020, MedGen C0546264, MONDO:0009711. Inheritance: all.
King Denborough syndrome (KDS). Identifiers: MedGen C1840365, MONDO:0020485, OMIM 619542.
Malignant hyperthermia, susceptibility to, 1 (MHS1). Also called: RYR1-Related Malignant Hyperthermia Susceptibility; Malignant hyperthermia suceptibility 1; Anesthesia related hyperthermia; Malignant hyperpyrexia; Fulminating hyperpyrexia; Pharmacogenic myopathy. Identifiers: Orphanet 423, MedGen C2930980, MONDO:0007783, OMIM 145600.
RYR1-related disorder. Also called: RYR1-related condition; RYR1-related disorders. Identifiers: MedGen CN239331.

Allele frequency attached by ClinVar (database versions not stated): gnomAD 0.00004; TOPMed 0.00005; gnomAD exomes 0.00006; ExAC 0.00002.
gnomAD v4.1: 34 of 1,612,870 alleles (0.0021%); highest among the groups gnomAD compares: Admixed American, 0.027%; no homozygotes.

Submissions (9):

3billion
Classification: Uncertain significance for Congenital multicore myopathy with external ophthalmoplegia. Last evaluated: 2026-01-11. Review status: criteria provided, single submitter. Criteria: ACMG Guidelines, 2015. Collection method: clinical testing. Allele origin: germline. Affected: yes.
Comment: The variant is observed at an extremely low frequency in the gnomAD v4.1.0 dataset (total allele frequency: 0.002%). Predicted Consequence/Location: Missense variant In silico tool predictions suggest damaging effect of the variant on gene or gene product [REVEL: 0.81 (>=0.6, sensitivity 0.68 and specificity 0.92)]. The variant has been reported as of uncertain significance (ClinVar ID: VCV000569224; PMID: 32969603). Different missense changes at the same codon have been reported as of uncertain significance (ClinVar ID: VCV003073947). Therefore, this variant is classified as VUS according to the recommendation of ACMG/AMP guideline.

Labcorp Genetics (formerly Invitae), Labcorp
Classification: Uncertain significance for RYR1-related disorder. Last evaluated: 2025-01-22. Review status: criteria provided, single submitter. Criteria: Invitae Variant Classification Sherloc (09022015). Collection method: clinical testing. Allele origin: germline.
Comment: This sequence change replaces glutamic acid, which is acidic and polar, with lysine, which is basic and polar, at codon 887 of the RYR1 protein (p.Glu887Lys). This variant is present in population databases (rs766827383, gnomAD 0.03%). This variant has not been reported in the literature in individuals affected with RYR1-related conditions. ClinVar contains an entry for this variant (Variation ID: 569224). Invitae Evidence Modeling of protein sequence and biophysical properties (such as structural, functional, and spatial information, amino acid conservation, physicochemical variation, residue mobility, and thermodynamic stability) has been performed for this missense variant. However, the output from this modeling did not meet the statistical confidence thresholds required to predict the impact of this variant on RYR1 protein function. In summary, the available evidence is currently insufficient to determine the role of this variant in disease. Therefore, it has been classified as a Variant of Uncertain Significance.

GeneDx
Classification: Uncertain significance. Last evaluated: 2024-10-17. Review status: criteria provided, single submitter. Criteria: GeneDx Variant Classification Process June 2021. Collection method: clinical testing. Allele origin: germline. Affected: yes.
Comment: In silico analysis supports that this missense variant has a deleterious effect on protein structure/function; This variant is associated with the following publications: (PMID: 32969603)

Color Diagnostics, LLC DBA Color Health
Classification: Uncertain significance for Malignant hyperthermia, susceptibility to, 1. Last evaluated: 2024-04-30. Review status: criteria provided, single submitter. Criteria: ACMG Guidelines, 2015. Collection method: clinical testing. Allele origin: germline.
Comment: This missense variant replaces glutamic acid with lysine at codon 887 of the RYR1 protein. Computational prediction is inconclusive regarding the impact of this variant on protein structure and function. To our knowledge, functional studies have not been reported for this variant. This variant has not been reported in individuals affected with RYR1-related disorders in the literature. This variant has been identified in 15/280478 chromosomes in the general population by the Genome Aggregation Database (gnomAD). The available evidence is insufficient to determine the role of this variant in disease conclusively. Therefore, this variant is classified as a Variant of Uncertain Significance.

Fulgent Genetics
Classification: Uncertain significance for Central core myopathy; Malignant hyperthermia, susceptibility to, 1; Congenital myopathy 4A, autosomal dominant; Congenital multicore myopathy with external ophthalmoplegia; King Denborough syndrome. Last evaluated: 2021-11-05. Review status: criteria provided, single submitter. Criteria: ACMG Guidelines, 2015. Collection method: clinical testing. Allele origin: unknown.

Revvity Omics, Revvity
Classification: Uncertain significance. Last evaluated: 2020-05-06. Review status: criteria provided, single submitter. Criteria: ACMG Guidelines, 2015. Collection method: clinical testing. Allele origin: germline.

Illumina Laboratory Services, Illumina
Classification: Uncertain significance for Malignant hyperthermia, susceptibility to, 1. Last evaluated: 2018-01-13. Review status: criteria provided, single submitter. Criteria: ICSL Variant Classification Criteria 13 December 2019. Collection method: clinical testing. Allele origin: germline.

Illumina Laboratory Services, Illumina
Classification: Uncertain significance for Central core myopathy. Last evaluated: 2018-01-13. Review status: criteria provided, single submitter. Criteria: ICSL Variant Classification Criteria 13 December 2019. Collection method: clinical testing. Allele origin: germline.

Illumina Laboratory Services, Illumina
Classification: Uncertain significance for Congenital multicore myopathy with external ophthalmoplegia. Last evaluated: 2018-01-13. Review status: criteria provided, single submitter. Criteria: ICSL Variant Classification Criteria 13 December 2019. Collection method: clinical testing. Allele origin: germline.